The following is an entry in ClinVar:

ClinVar aggregate classification (germline): Likely pathogenic. Review status: criteria provided, multiple submitters, no conflicts (2 of 4 stars). 2 submissions from 2 submitters: Likely pathogenic (2). Last evaluated 2024-06-13.

Conditions:
Mucopolysaccharidosis, MPS-IV-B (MPS4B). Also called: MORQUIO SYNDROME B; Mucopolysaccharidosis type IV B; Mucopolysaccharidosis Type IVB; Mucopolysaccharidosis type 4B; Mucopolysaccharidosis type IVB (Morquio); MPS IVB. Identifiers: Orphanet 309310, Orphanet 582, MedGen C0086652, MONDO:0009660, OMIM 253010.
Infantile GM1 gangliosidosis. Also called: Gangliosidosis, Generalized GM1, Type 1; GM1-gangliosidosis, type I; Gangliosidosis, generalized GM1, infantile form; GLB1 deficiency; GM1 gangliosidosis type 1. Identifiers: Orphanet 354, Orphanet 79255, MedGen C0268271, MONDO:0009260, OMIM 230500.
GM1 gangliosidosis type 2. Also called: GM1-GANGLIOSIDOSIS, TYPE II; GANGLIOSIDOSIS, GENERALIZED GM1, JUVENILE TYPE; GANGLIOSIDOSIS, GENERALIZED GM1, TYPE II; Gangliosidosis, Generalized GM1, Type 2; Juvenile GM>1< gangliosidosis. Identifiers: Orphanet 354, Orphanet 79256, MedGen C0268272, MONDO:0009261, OMIM 230600.
GM1 gangliosidosis type 3. Also called: GM1-GANGLIOSIDOSIS, TYPE III; GANGLIOSIDOSIS, GENERALIZED GM1, ADULT TYPE; GANGLIOSIDOSIS, GENERALIZED GM1, CHRONIC TYPE; GANGLIOSIDOSIS, GENERALIZED GM1, TYPE III; Gangliosidosis, Generalized GM1, Type 3; Beta-galactosidase deficiency. Identifiers: Orphanet 79257, MedGen C0268273, MONDO:0009262, OMIM 230650.

Submissions (2):

Fulgent Genetics
Classification: Likely pathogenic for Infantile GM1 gangliosidosis; GM1 gangliosidosis type 2; GM1 gangliosidosis type 3; Mucopolysaccharidosis, MPS-IV-B. Last evaluated: 2024-06-13. Review status: criteria provided, single submitter. Criteria: ACMG Guidelines, 2015. Collection method: clinical testing. Allele origin: germline.

Women's Health and Genetics/Laboratory Corporation of America, LabCorp
Classification: Likely pathogenic for Mucopolysaccharidosis, MPS-IV-B. Last evaluated: 2024-06-13. Review status: criteria provided, single submitter. Criteria: LabCorp Variant Classification Summary - May 2015. Collection method: clinical testing. Allele origin: germline.
Comment: Variant summary: GLB1 c.1823T>C (p.Leu608Pro) results in a non-conservative amino acid change located in the Beta-galactosidase, galactose-binding domain (IPR048913) of the encoded protein sequence. Five of five in-silico tools predict a damaging effect of the variant on protein function. The variant was absent in 249464 control chromosomes. c.1823T>C has been reported in the literature in individuals affected with Gm1-gangliosidosis (Higaki_2011). These data do not allow any conclusion about variant significance. At least one publication reports experimental evidence evaluating an impact on protein function. The most pronounced variant effect results negligible enzyme activity when compared to wildtype (Higaki_2011). The following publication have been ascertained in the context of this evaluation (PMID: 21520340). No submitters have cited clinical-significance assessments for this variant to ClinVar. Based on the evidence outlined above, the variant was classified as likely pathogenic.

Literature cited by the submitters: PubMed 21520340 (cited by Women's Health and Genetics/Laboratory Corporation of America, LabCorp).

NM_000404.4(GLB1):c.1823T>C (p.Leu608Pro)

Gene: GLB1 (galactosidase beta 1; minus strand). Cytogenetic location: 3p22.3.
Variant type: single nucleotide variant.
Coding change: c.1823T>C on transcript NM_000404.4 (MANE Select); coding-DNA position 1823, T replaced by C.
Protein change: p.Leu608Pro; replaces leucine 608 with proline.
Molecular consequence: missense variant. On other transcripts: intron variant (1).
Genome position (GRCh38, 1-based): chr3:32,997,256, A>G on the plus strand (T>C on the coding strand, the complement: GLB1 is on the minus strand). VCF-style: chr3-32997256-A-G. GRCh37 (hg19) VCF-style: chr3-33038748-A-G.
Other names: c.1733T>C, p.Leu578Pro (NM_001079811.3); c.1430T>C, p.Leu477Pro (NM_001135602.3); c.1967T>C, p.Leu656Pro (NM_001317040.2); c.1734+16800T>C (NM_001393580.1); short protein forms L477P, L578P, L608P, L656P.
Identifiers: ClinVar variation 3339535 (VCV003339535.2).